The following is an entry in ClinVar:

ClinVar aggregate classification (germline): Uncertain significance. Review status: no assertion criteria provided (0 of 4 stars). 2 submissions from 1 submitter: Uncertain significance (1). 1 of the submissions does not count toward it.

Submissions (2):

Richard Lifton Laboratory, Yale University School of Medicine
Classification: Uncertain significance. Review status: no assertion criteria provided. Collection method: not provided. Allele origin: somatic.
Comment: LAMC1:p.S272P
ClinVar note: Converted during submission from unknown to Uncertain significance.

Richard Lifton Laboratory, Yale University School of Medicine
Classification: Uncertain significance. Review status: flagged submission. Collection method: not provided. Allele origin: somatic. Not counted in ClinVar's aggregate classification.
ClinVar note: Converted during submission from unknown to Uncertain significance.
ClinVar note: Reason: This record appears to be redundant with a more recent record from the same submitter.
ClinVar note: Notes: SCV000120062 appears to be redundant with SCV000155165.

NM_002293.4(LAMC1):c.814T>C (p.Ser272Pro)

Gene: LAMC1 (laminin subunit gamma 1; plus strand). Cytogenetic location: 1q25.3.
Variant type: single nucleotide variant.
Coding change: c.814T>C on transcript NM_002293.4 (MANE Select); coding-DNA position 814, T replaced by C.
Protein change: p.Ser272Pro; replaces serine 272 with proline.
Molecular consequence: missense variant.
Genome position (GRCh38, 1-based): chr1:183,108,366, T>C. VCF-style: chr1-183108366-T-C. GRCh37 (hg19) VCF-style: chr1-183077501-T-C.
Other names: short protein forms S272P.
Identifiers: ClinVar variation 100838 (VCV000100838.2), dbSNP rs483352718, ClinGen allele CA229100.